The following is an entry in ClinVar:

NM_032634.4(PIGO):c.2447A>C (p.Lys816Thr)

Gene: PIGO (phosphatidylinositol glycan anchor biosynthesis class O; minus strand). Cytogenetic location: 9p13.3.
Variant type: single nucleotide variant.
Coding change: c.2447A>C on transcript NM_032634.4 (MANE Select); coding-DNA position 2447, A replaced by C.
Protein change: p.Lys816Thr; replaces lysine 816 with threonine.
Molecular consequence: missense variant. On other transcripts: intron variant (2).
Genome position (GRCh38, 1-based): chr9:35,091,440, T>G on the plus strand (A>C on the coding strand, the complement: PIGO is on the minus strand). VCF-style: chr9-35091440-T-G. GRCh37 (hg19) VCF-style: chr9-35091437-T-G.
Other names: c.1345-149A>C (NM_152850.4, NM_001201484.2); short protein forms K816T.
Identifiers: ClinVar variation 2003092 (VCV002003092.4), dbSNP rs2490445457, ClinGen allele CA373319739.

ClinVar aggregate classification (germline): Uncertain significance (1 of 4 stars; one submission).

Conditions:
Hyperphosphatasia with impaired intellectual development syndrome 2. Also called: GLYCOSYLPHOSPHATIDYLINOSITOL BIOSYNTHESIS DEFECT 6; Hyperphosphatasia with intellectual disability syndrome 2. Identifiers: Orphanet 247262, MedGen C3553637, MONDO:0013882, OMIM 614749.

Submission:

Labcorp Genetics (formerly Invitae), Labcorp
Classification: Uncertain significance for Hyperphosphatasia with impaired intellectual development syndrome 2. Last evaluated: 2022-06-07. Review status: criteria provided, single submitter. Criteria: Invitae Variant Classification Sherloc (09022015). Collection method: clinical testing. Allele origin: germline.
Comment: This sequence change replaces lysine, which is basic and polar, with threonine, which is neutral and polar, at codon 816 of the PIGO protein (p.Lys816Thr). This variant is not present in population databases (gnomAD no frequency). This variant has not been reported in the literature in individuals affected with PIGO-related conditions. Algorithms developed to predict the effect of missense changes on protein structure and function (SIFT, PolyPhen-2, Align-GVGD) all suggest that this variant is likely to be tolerated. In summary, the available evidence is currently insufficient to determine the role of this variant in disease. Therefore, it has been classified as a Variant of Uncertain Significance.